The following is an entry in ClinVar:

ClinVar aggregate classification (germline): Uncertain significance (1 of 4 stars; one submission).

Submission:

Labcorp Genetics (formerly Invitae), Labcorp
Classification: Uncertain significance. Last evaluated: 2022-06-24. Review status: criteria provided, single submitter. Criteria: Invitae Variant Classification Sherloc (09022015). Collection method: clinical testing. Allele origin: germline.
Comment: In summary, the available evidence is currently insufficient to determine the role of this variant in disease. Therefore, it has been classified as a Variant of Uncertain Significance. Experimental studies and prediction algorithms are not available or were not evaluated, and the functional significance of this variant is currently unknown. This variant has not been reported in the literature in individuals affected with ASRGL1-related conditions. This variant is present in population databases (rs747564363, gnomAD 0.02%). This variant, c.143_178del, results in the deletion of 12 amino acid(s) of the ASRGL1 protein (p.Val48_Pro59del), but otherwise preserves the integrity of the reading frame.

NM_001083926.2(ASRGL1):c.143_178del (p.Val48_Pro59del)

Gene: ASRGL1 (asparaginase and isoaspartyl peptidase 1; plus strand). Cytogenetic location: 11q12.3.
Variant type: Deletion.
Coding change: c.143_178del on transcript NM_001083926.2 (MANE Select); coding-DNA positions 143 to 178, 36 bases deleted.
Protein change: p.Val48_Pro59del.
Molecular consequence: inframe deletion.
Genome position (GRCh38, 1-based): chr11:62,338,120-62,338,155, 36 bases deleted; deleting any 36 consecutive bases within chr11:62,338,117-62,338,155 gives the same sequence; the c. name uses the placement nearest the transcript's 3' end. GRCh37 (hg19): chr11:62,105,592-62,105,627.
Other names: c.143_178del, p.Val48_Pro59del (NM_025080.4).
Identifiers: ClinVar variation 1949278 (VCV001949278.5), dbSNP rs747564363, ClinGen allele CA6043096.